The following is an entry in ClinVar:

ClinVar aggregate classification (germline): Likely pathogenic (1 of 4 stars; one submission).

Conditions:
Hereditary breast ovarian cancer syndrome. Also called: Hereditary breast and/or ovarian cancer syndrome; BRCA1- and BRCA2-Associated Hereditary Breast and Ovarian Cancer; Breast and ovarian cancer; Hereditary breast and ovarian cancer; Hereditary breast and ovarian cancer syndrome; Hereditary breast and ovarian cancer syndrome (HBOC). Identifiers: Orphanet 145, MedGen C0677776, MeSH D061325, MONDO:0003582. Disease mechanism: loss of function.

Submission:

Women's Health and Genetics/Laboratory Corporation of America, LabCorp
Classification: Likely pathogenic for Hereditary breast ovarian cancer syndrome. Last evaluated: 2017-06-12. Review status: criteria provided, single submitter. Criteria: LabCorp Variant Classification Summary - May 2015. Collection method: clinical testing. Allele origin: germline.
Comment: Variant summary: The BRCA2 c.6437_6440dupATCA (p.His2147Glnfs) variant results in a premature termination codon, predicted to cause a truncated or absent BRCA2 protein due to nonsense mediated decay, which are commonly known mechanisms for disease. Truncations downstream of this position have been classified as pathogenic by our laboratory (e.g., c.6449_6450delAA [p.Lys2150fs). One in silico tool predicts a damaging outcome for this variant. This variant is absent from the large control database ExAC (0/118010 control chromosomes). To our knowledge, the variant of interest has not been reported in affected individuals via publications and/or reputable databases/clinical diagnostic laboratories, nor has it been evaluated for functional impact by in vivo/vitro studies. Taken together, this variant is classified as likely pathogenic.

NM_000059.4(BRCA2):c.6437_6440dup (p.His2147fs)

Gene: BRCA2 (BRCA2 DNA repair associated; plus strand). Cytogenetic location: 13q13.1.
Variant type: Duplication.
Coding change: c.6437_6440dup on transcript NM_000059.4 (MANE Select); coding-DNA positions 6437 to 6440, 4 bases duplicated (ATCA; older notation c.6437_6440dupATCA).
Protein change: p.His2147fs; shifts the reading frame from histidine 2147.
Molecular consequence: frameshift variant.
Genome position (GRCh38, 1-based): chr13:32,340,792-32,340,795, ATCA duplicated; duplicating any 4 consecutive bases within chr13:32,340,791-32,340,795 gives the same sequence; the c. name uses the placement nearest the transcript's 3' end. VCF-style (leftmost placement, unchanged base first): chr13-32340790-T-TAATC. GRCh37 (hg19) VCF-style: chr13-32914927-T-TAATC.
Other names: c.6437_6440dupATCA (NM_000059.3); short protein forms H2147fs.
Identifiers: ClinVar variation 495484 (VCV000495484.1), dbSNP rs397507855, ClinGen allele CA658683805.
Genomic context (GRCh38, chr13:32,340,790, plus strand): 5'-CTGCAGTAAAGAATTTAAATTATCAAATAACTTAAATGTTGAAGGTGGTTCTTCAGAAAA[T>TAATC]AATCACTCTATTAAAGTTTCTCCATATCTCTCTCAATTTCAACAAGACAAACAACAGTTG-3'